The following is an entry in ClinVar:

NM_152305.3(POGLUT1):c.614_615del (p.Ser205fs)

Gene: POGLUT1 (protein O-glucosyltransferase 1; plus strand). Cytogenetic location: 3q13.33.
Variant type: Microsatellite.
Coding change: c.614_615del on transcript NM_152305.3 (MANE Select); coding-DNA positions 614 to 615, 2 bases deleted (CT; older notation c.614_615delCT).
Protein change: p.Ser205fs; shifts the reading frame from serine 205.
Molecular consequence: frameshift variant. On other transcripts: non-coding transcript variant (1).
Genome position (GRCh38, 1-based): chr3:119,485,363-119,485,364, CT deleted; deleting any 2 consecutive bases within chr3:119,485,361-119,485,364 gives the same sequence; the c. name uses the placement nearest the transcript's 3' end. VCF-style (leftmost placement, unchanged base first): chr3-119485360-ACT-A. GRCh37 (hg19) VCF-style: chr3-119204207-ACT-A.
Other names: c.612_613CT[1], p.Ser205Tyrfs (NM_020231.3); short protein forms S205fs.
Identifiers: ClinVar variation 2026258 (VCV002026258.4), dbSNP rs2473040267, ClinGen allele CA2580616512.

ClinVar aggregate classification (germline): Pathogenic (1 of 4 stars; one submission).

Submission:

Labcorp Genetics (formerly Invitae), Labcorp
Classification: Pathogenic. Last evaluated: 2024-10-16. Review status: criteria provided, single submitter. Criteria: Invitae Variant Classification Sherloc (09022015). Collection method: clinical testing. Allele origin: germline.
Comment: This sequence change creates a premature translational stop signal (p.Ser205Tyrfs*28) in the POGLUT1 gene. It is expected to result in an absent or disrupted protein product. Loss-of-function variants in POGLUT1 are known to be pathogenic (PMID: 24387993). This variant is not present in population databases (gnomAD no frequency). This variant has not been reported in the literature in individuals affected with POGLUT1-related conditions. For these reasons, this variant has been classified as Pathogenic.

Literature cited by the submitters: PubMed 24387993.